The following is an entry in ClinVar:

NM_001277115.2(DNAH11):c.11396_11399del (p.Ile3799fs)

Gene: DNAH11 (dynein axonemal heavy chain 11; plus strand). Cytogenetic location: 7p15.3.
Variant type: Deletion.
Coding change: c.11396_11399del on transcript NM_001277115.2 (MANE Select); coding-DNA positions 11396 to 11399, 4 bases deleted (TAGA; older notation c.11396_11399delTAGA).
Protein change: p.Ile3799fs; shifts the reading frame from isoleucine 3799.
Molecular consequence: frameshift variant.
Genome position (GRCh38, 1-based): chr7:21,864,557-21,864,560, TAGA deleted; deleting any 4 consecutive bases within chr7:21,864,554-21,864,560 gives the same sequence; the c. name uses the placement nearest the transcript's 3' end. VCF-style (leftmost placement, unchanged base first): chr7-21864553-GAGAT-G. GRCh37 (hg19) VCF-style: chr7-21904171-GAGAT-G.
Other names: short protein forms I3799fs.
Identifiers: ClinVar variation 947389 (VCV000947389.8), dbSNP rs1245232070, ClinGen allele CA836666036.

ClinVar aggregate classification (germline): Pathogenic (1 of 4 stars; one submission).

Conditions:
Primary ciliary dyskinesia. Also called: Ciliary dyskinesia. Identifiers: Orphanet 244, MedGen C0008780, MONDO:0016575, HP:0012265.

Submission:

Labcorp Genetics (formerly Invitae), Labcorp
Classification: Pathogenic for Primary ciliary dyskinesia. Last evaluated: 2023-01-17. Review status: criteria provided, single submitter. Criteria: Invitae Variant Classification Sherloc (09022015). Collection method: clinical testing. Allele origin: germline.
Comment: For these reasons, this variant has been classified as Pathogenic. ClinVar contains an entry for this variant (Variation ID: 947389). This variant has not been reported in the literature in individuals affected with DNAH11-related conditions. This variant is not present in population databases (gnomAD no frequency). This sequence change creates a premature translational stop signal (p.Ile3799Thrfs*18) in the DNAH11 gene. It is expected to result in an absent or disrupted protein product. Loss-of-function variants in DNAH11 are known to be pathogenic (PMID: 18022865, 20513915, 22184204).

Literature cited by the submitters: PubMed 18022865; PubMed 20513915; PubMed 22184204.